The following is an entry in ClinVar:

NM_006059.4(LAMC3):c.3897G>A (p.Ala1299=)

Gene: LAMC3 (laminin subunit gamma 3; plus strand). Cytogenetic location: 9q34.12.
Variant type: single nucleotide variant.
Coding change: c.3897G>A on transcript NM_006059.4 (MANE Select); coding-DNA position 3897, G replaced by A.
Protein change: p.Ala1299=; no amino-acid change (alanine 1299 retained).
Molecular consequence: synonymous variant.
Genome position (GRCh38, 1-based): chr9:131,079,268, G>A. VCF-style: chr9-131079268-G-A. GRCh37 (hg19) VCF-style: chr9-133954655-G-A.
Other names: c.3897G>A (NM_006059.3).
Identifiers: ClinVar variation 1669424 (VCV001669424.10), dbSNP rs539911303, ClinGen allele CA5287971.

ClinVar aggregate classification (germline): Likely benign. Review status: criteria provided, single submitter (1 of 4 stars). 2 submissions from 2 submitters: Likely benign (1). 1 of the submissions does not count toward it. Last evaluated 2024-06-17.

Conditions:
LAMC3-related disorder. Also called: LAMC3-related condition.

Allele frequency attached by ClinVar (database versions not stated): gnomAD 0.00001 and 0.00007; TOPMed 0.00001; gnomAD exomes 0.00005 and 0.00010; ExAC 0.00008; 1000 Genomes Project 0.00020; 1000 Genomes Project 30x 0.00031.
gnomAD v4.1: 91 of 1,614,174 alleles (0.0056%); highest among the groups gnomAD compares: South Asian, 0.083%; no homozygotes.

Submissions (2):

Labcorp Genetics (formerly Invitae), Labcorp
Classification: Likely benign. Last evaluated: 2024-06-17. Review status: criteria provided, single submitter. Criteria: Invitae Variant Classification Sherloc (09022015). Collection method: clinical testing. Allele origin: germline.

PreventionGenetics, part of Exact Sciences
Classification: Likely benign for LAMC3-related condition. Last evaluated: 2023-05-16. Review status: no assertion criteria provided. Collection method: clinical testing. Allele origin: germline. Not counted in ClinVar's aggregate classification.
Comment: This variant is classified as likely benign based on ACMG/AMP sequence variant interpretation guidelines (Richards et al. 2015 PMID: 25741868, with internal and published modifications).